The following is an entry in ClinVar:

NM_001364905.1(LRBA):c.7464G>A (p.Met2488Ile)

Gene: LRBA (LPS responsive beige-like anchor protein; minus strand). Cytogenetic location: 4q31.3.
Variant type: single nucleotide variant.
Coding change: c.7464G>A on transcript NM_001364905.1 (MANE Select); coding-DNA position 7464, G replaced by A.
Protein change: p.Met2488Ile; replaces methionine 2488 with isoleucine.
Molecular consequence: missense variant.
Genome position (GRCh38, 1-based): chr4:150,321,357, C>T on the plus strand (G>A on the coding strand, the complement: LRBA is on the minus strand). VCF-style: chr4-150321357-C-T. GRCh37 (hg19) VCF-style: chr4-151242509-C-T.
Other names: c.7464G>A, p.Met2488Ile (NM_001199282.3); c.7479G>A, p.Met2493Ile (NM_001367550.1); c.7497G>A, p.Met2499Ile (NM_006726.5); short protein forms M2488I, M2499I, M2493I.
Identifiers: ClinVar variation 579358 (VCV000579358.6), dbSNP rs757105953, ClinGen allele CA3101625.
Genomic context (GRCh38, chr4:150,321,357, plus strand): 5'-AGGGGAGTTGGAGGGAAACTTGAGGACCATGATAACATCCTGCTGGGCTTTGTCTGTGAA[C>T]ATCAATGGACTCTGCAGGAGGAGATACTGTTGAGTGGGCATGACAAGACCCAAATAGACA-3'
Protein context (NP_001351834.1, residues 2478-2498): RGSAMQVSPL[Met2488Ile]FTDKAQQDVI

ClinVar aggregate classification (germline): Uncertain significance (1 of 4 stars; one submission).

Conditions:
Combined immunodeficiency due to LRBA deficiency. Also called: Common variable immunodeficiency 8, with autoimmunity. Identifiers: Orphanet 445018, MedGen C3553512, MONDO:0013863, OMIM 614700.

Allele frequency attached by ClinVar (database versions not stated): gnomAD below 0.00001 and 0.00001; gnomAD exomes 0.00003 and 0.00004; ExAC 0.00004.
gnomAD v4.1: 38 of 1,596,582 alleles (0.0024%); highest among the groups gnomAD compares: South Asian, 0.041%; 1 homozygote.

Submission:

Labcorp Genetics (formerly Invitae), Labcorp
Classification: Uncertain significance for Combined immunodeficiency due to LRBA deficiency. Last evaluated: 2018-05-30. Review status: criteria provided, single submitter. Criteria: Invitae Variant Classification Sherloc (09022015). Collection method: clinical testing. Allele origin: germline.
Comment: This variant is present in population databases (rs757105953, ExAC 0.03%). This sequence change replaces methionine with isoleucine at codon 2499 of the LRBA protein (p.Met2499Ile). The methionine residue is moderately conserved and there is a small physicochemical difference between methionine and isoleucine. This variant has not been reported in the literature in individuals with LRBA-related disease. Algorithms developed to predict the effect of missense changes on protein structure and function are either unavailable or do not agree on the potential impact of this missense change (SIFT: "Deleterious"; PolyPhen-2: "Probably Damaging"; Align-GVGD: "Class C0"). In summary, the available evidence is currently insufficient to determine the role of this variant in disease. Therefore, it has been classified as a Variant of Uncertain Significance.